The following is an entry in ClinVar:

NM_001853.4(COL9A3):c.1412G>A (p.Arg471Gln)

Genes: COL9A3 (collagen type IX alpha 3 chain; plus strand), LOC126863084 (MED14-independent group 3 enhancer GRCh37_chr20:61467141-61468340; plus strand). Cytogenetic location: 20q13.33.
Variant type: single nucleotide variant.
Coding change: c.1412G>A on transcript NM_001853.4 (MANE Select); coding-DNA position 1412, G replaced by A.
Protein change: p.Arg471Gln; replaces arginine 471 with glutamine.
Molecular consequence: missense variant.
Genome position (GRCh38, 1-based): chr20:62,836,197, G>A. VCF-style: chr20-62836197-G-A. GRCh37 (hg19) VCF-style: chr20-61467549-G-A.
Other names: short protein forms R471Q.
Identifiers: ClinVar variation 1384657 (VCV001384657.8), dbSNP rs1440423945, ClinGen allele CA409596929.
Genomic context (GRCh38, chr20:62,836,197, plus strand): 5'-TCTGGGCTCCTGGGCTCGCCCCTGACCCACCTTCCTCTGTTCCTCTGCAGTCTGGCAGTC[G>A]AGGGGAGCTGGGCCCCAAAGGCACCCAGGGTCCCAACGGCACCAGCGGTGTTCAGGGTGT-3'
Protein context (NP_001844.3, residues 461-481): LVGPKGESGS[Arg471Gln]GELGPKGTQG

ClinVar aggregate classification (germline): Uncertain significance (1 of 4 stars; one submission).

Allele frequency attached by ClinVar (database versions not stated): gnomAD exomes 0.00001.
gnomAD v4.1: 11 of 1,613,402 alleles (0.00068%); highest among the groups gnomAD compares: East Asian, 0.0022%; no homozygotes.

Submission:

Labcorp Genetics (formerly Invitae), Labcorp
Classification: Uncertain significance. Last evaluated: 2026-02-01. Review status: criteria provided, single submitter. Criteria: Invitae Variant Classification Sherloc (09022015). Collection method: clinical testing. Allele origin: germline.
Comment: This sequence change replaces arginine, which is basic and polar, with glutamine, which is neutral and polar, at codon 471 of the COL9A3 protein (p.Arg471Gln). This variant is present in population databases (no rsID available, gnomAD 0.003%). This variant has not been reported in the literature in individuals affected with COL9A3-related conditions. ClinVar contains an entry for this variant (Variation ID: 1384657). Invitae Evidence Modeling of protein sequence and biophysical properties (such as structural, functional, and spatial information, amino acid conservation, physicochemical variation, residue mobility, and thermodynamic stability) indicates that this missense variant is not expected to disrupt COL9A3 protein function with a negative predictive value of 95%. In summary, the available evidence is currently insufficient to determine the role of this variant in disease. Therefore, it has been classified as a Variant of Uncertain Significance.